The following is an entry in ClinVar:

ClinVar aggregate classification (germline): Conflicting classifications of pathogenicity. Review status: criteria provided, conflicting classifications (1 of 4 stars). 7 submissions from 7 submitters: Uncertain significance (2); Benign (2); Likely benign (2). 1 of the submissions does not count toward it. Last evaluated 2026-02-02.

Conditions:
DMD-related disorder. Also called: DMD-related condition.
Cardiomyopathy (CMYO). Also called: Cardiomyopathies. Identifiers: Orphanet 167848, MedGen C0878544, MONDO:0004994, HP:0001638. Inheritance: Various modes of inheritance.
Becker muscular dystrophy (BMD). Also called: Becker Muscular Dystrophy (BMD); MUSCULAR DYSTROPHY, PSEUDOHYPERTROPHIC PROGRESSIVE, BECKER TYPE. Identifiers: Orphanet 98895, MedGen C0917713, MONDO:0010311, OMIM 300376.
Dystrophin deficiency.
Duchenne muscular dystrophy (DMD). Also called: Duchenne Muscular Dystrophy (DMD); MUSCULAR DYSTROPHY, PSEUDOHYPERTROPHIC PROGRESSIVE, DUCHENNE TYPE. Identifiers: Orphanet 98896, MedGen C0013264, MONDO:0010679, OMIM 310200.
Cardiovascular phenotype. Identifiers: MedGen CN230736.

Allele frequency attached by ClinVar (database versions not stated): gnomAD exomes 0.00001 and 0.00005; ExAC 0.00005; gnomAD 0.00015 and 0.00019; TOPMed 0.00015.
gnomAD v4.1: 33 of 1,207,795 alleles (0.0027%); highest among the groups gnomAD compares: African/African-American, 0.053%; no homozygotes.

Submissions (7):

Labcorp Genetics (formerly Invitae), Labcorp
Classification: Benign for Duchenne muscular dystrophy. Last evaluated: 2026-02-02. Review status: criteria provided, single submitter. Criteria: Invitae Variant Classification Sherloc (09022015). Collection method: clinical testing. Allele origin: germline.

PreventionGenetics, part of Exact Sciences
Classification: Likely benign for DMD-related condition. Last evaluated: 2025-05-09. Review status: criteria provided, single submitter. Criteria: ACMG Guidelines, 2015. Collection method: clinical testing. Allele origin: germline.
Comment: This variant is classified as likely benign based on ACMG/AMP sequence variant interpretation guidelines (Richards et al. 2015 PMID: 25741868, with internal and published modifications).

Women's Health and Genetics/Laboratory Corporation of America, LabCorp
Classification: Uncertain significance. Last evaluated: 2025-04-25. Review status: criteria provided, single submitter. Criteria: LabCorp Variant Classification Summary - May 2015. Collection method: clinical testing. Allele origin: germline.

Ambry Genetics
Classification: Likely benign for Cardiovascular phenotype. Last evaluated: 2018-03-21. Review status: criteria provided, single submitter. Criteria: Ambry Variant Classification Scheme 2023. Collection method: clinical testing. Allele origin: germline.

Athena Diagnostics
Classification: Benign. Last evaluated: 2017-04-14. Review status: criteria provided, single submitter. Criteria: Athena Diagnostics Criteria. Collection method: clinical testing. Allele origin: germline.

Eurofins Ntd Llc (ga)
Classification: Uncertain significance. Last evaluated: 2016-08-09. Review status: criteria provided, single submitter. Criteria: EGL Classification Definitions 2015. Collection method: clinical testing. Allele origin: germline. Observed: 1 variant allele, 1 hemizygote.

Natera, Inc.
Classification: Likely benign for Becker muscular dystrophy; Cardiomyopathy; Duchenne muscular dystrophy; Dystrophin deficiency. Last evaluated: 2019-06-27. Review status: no assertion criteria provided. Collection method: clinical testing. Allele origin: germline. Not counted in ClinVar's aggregate classification.

NM_004006.3(DMD):c.4072-3T>C

Gene: DMD (dystrophin; minus strand). Cytogenetic location: Xp21.1.
Variant type: single nucleotide variant.
Coding change: c.4072-3T>C on transcript NM_004006.3 (MANE Select); 3 bases into the intron before coding-DNA position 4072, T replaced by C.
Molecular consequence: intron variant.
Genome position (GRCh38, 1-based): chrX:32,411,916, A>G on the plus strand (T>C on the coding strand, the complement: DMD is on the minus strand). VCF-style: chrX-32411916-A-G. GRCh37 (hg19) VCF-style: chrX-32430033-A-G.
Other names: c.4048-3T>C (NM_000109.4); c.49-3T>C (NM_004011.4); c.40-3T>C (NM_004012.4); c.4060-3T>C (NM_004009.3); c.3703-3T>C (NM_004010.3).
Identifiers: ClinVar variation 290144 (VCV000290144.23), dbSNP rs751657094, ClinGen allele CA10379044.